The following is an entry in ClinVar:

ClinVar aggregate classification (germline): Conflicting classifications of pathogenicity. Review status: criteria provided, conflicting classifications (1 of 4 stars). 8 submissions from 8 submitters: Uncertain significance (6); Likely benign (2). Last evaluated 2026-06-29.

Conditions:
Inborn genetic diseases. Identifiers: MedGen C0950123, MeSH D030342.
Nephrotic syndrome, type 4 (NPHS4). Also called: Familial mesangial sclerosis; Nephrotic syndrome, early onset with diffuse mesangial sclerosis. Identifiers: Orphanet 656, MedGen C3151568, MONDO:0009733, OMIM 256370.
Wilms tumor 1 (WT1). Also called: Wilms tumor, somatic. Identifiers: Orphanet 654, MedGen CN033288, MONDO:0008679, OMIM 194070.
11p partial monosomy syndrome (WAGR). Also called: WAGR syndrome; WAGR Spectrum Disorder; CHROMOSOME 11p13 DELETION SYNDROME; WAGR Complex. Identifiers: Orphanet 893, MedGen C0206115, MONDO:0008681, OMIM 194072.
Aniridia 1 (AN1). Identifiers: Orphanet 250923, MedGen C0344542, MONDO:0024507, OMIM 106210.
Drash syndrome (DDS). Also called: NEPHROPATHY, WILMS TUMOR, AND GENITAL ANOMALIES; WILMS TUMOR AND PSEUDO- OR TRUE HERMAPHRODITISM. Identifiers: Orphanet 220, MedGen C0950121, MONDO:0008682, OMIM 194080.
Meacham syndrome. Also called: Meacham Winn Culler syndrome. Identifiers: Orphanet 3097, MedGen C1837026, MONDO:0012164, OMIM 608978.
Mesothelioma, malignant (MESOM). Also called: Malignant mesothelioma (disease). Identifiers: Orphanet 50251, MedGen C0345967, MONDO:0006292, OMIM 156240, HP:0100001.
Frasier syndrome. Identifiers: Orphanet 347, MedGen C0950122, MeSH D052159, MONDO:0007635, OMIM 136680.
Hereditary cancer-predisposing syndrome. Also called: Neoplastic Syndromes, Hereditary; Hereditary neoplastic syndrome; Hereditary Cancer Syndrome; Tumor predisposition. Identifiers: Orphanet 140162, MedGen C0027672, MeSH D009386, MONDO:0015356.

Allele frequency attached by ClinVar (database versions not stated): gnomAD exomes 0.00001 and 0.00003; gnomAD 0.00002; TOPMed 0.00002.
gnomAD v4.1: 49 of 1,520,270 alleles (0.0032%); highest among the groups gnomAD compares: Middle Eastern, 0.1%; 1 homozygote.

Submissions (8):

Ambry Genetics
Classification: Likely benign for Inborn genetic diseases. Last evaluated: 2026-06-29. Review status: criteria provided, single submitter. Criteria: Ambry Variant Classification Scheme 2023. Collection method: clinical testing. Allele origin: germline.

Revvity Omics, Revvity
Classification: Uncertain significance. Last evaluated: 2025-03-13. Review status: criteria provided, single submitter. Criteria: ACMG Guidelines, 2015. Collection method: clinical testing. Allele origin: germline.

Labcorp Genetics (formerly Invitae), Labcorp
Classification: Uncertain significance for Wilms tumor 1; Drash syndrome; 11p partial monosomy syndrome; Frasier syndrome. Last evaluated: 2025-01-08. Review status: criteria provided, single submitter. Criteria: Invitae Variant Classification Sherloc (09022015). Collection method: clinical testing. Allele origin: germline.
Comment: This sequence change replaces glutamine, which is neutral and polar, with leucine, which is neutral and non-polar, at codon 68 of the WT1 protein (p.Gln68Leu). This variant is present in population databases (no rsID available, gnomAD 0.002%). This variant has not been reported in the literature in individuals affected with WT1-related conditions. ClinVar contains an entry for this variant (Variation ID: 476696). An algorithm developed to predict the effect of missense changes on protein structure and function outputs the following: PolyPhen-2: "Benign". The leucine amino acid residue is found in multiple mammalian species, which suggests that this missense change does not adversely affect protein function. In summary, the available evidence is currently insufficient to determine the role of this variant in disease. Therefore, it has been classified as a Variant of Uncertain Significance.

GeneDx
Classification: Uncertain significance. Last evaluated: 2023-03-24. Review status: criteria provided, single submitter. Criteria: GeneDx Variant Classification Process June 2021. Collection method: clinical testing. Allele origin: germline. Affected: yes.
Comment: In silico analysis supports that this missense variant does not alter protein structure/function; Has not been previously published as pathogenic or benign to our knowledge; Not observed at significant frequency in large population cohorts (gnomAD)

Fulgent Genetics
Classification: Uncertain significance for Aniridia 1; Frasier syndrome; Mesothelioma, malignant; Wilms tumor 1; 11p partial monosomy syndrome; Drash syndrome; Nephrotic syndrome, type 4; Meacham syndrome. Last evaluated: 2022-03-10. Review status: criteria provided, single submitter. Criteria: ACMG Guidelines, 2015. Collection method: clinical testing. Allele origin: unknown.

Sema4
Classification: Uncertain significance for Hereditary cancer-predisposing syndrome. Last evaluated: 2022-02-09. Review status: criteria provided, single submitter. Criteria: Sema4 Curation Guidelines. Collection method: curation. Allele origin: germline.
Comment: The WT1 c.203A>T(p.Q68L) variant, also known as c.218A>T (p.Q73L) (NM_024426.5), has not been reported in the literature to our knowledge. This variant was observed in 1/43592 chromosomes in the Non-Finnish European population, according to the Genome Aggregation Database (PMID: 32461654). The variant has been reported in ClinVar (Variation ID 476696). In silico tools suggest the impact of the variant on protein function is benign, though these predictions have not been confirmed by functional studies. The evidence is insufficient to meet ACMG/AMP criteria for classifying the variant as benign or pathogenic. Thus, the clinical significance of this variant is currently uncertain.

Victorian Clinical Genetics Services, Murdoch Childrens Research Institute
Classification: Likely benign for Nephrotic syndrome, type 4. Last evaluated: 2021-05-06. Review status: criteria provided, single submitter. Criteria: ACMG Guidelines, 2015. Collection method: clinical testing. Allele origin: germline. Inheritance: Autosomal dominant inheritance.
Comment: Based on the classification scheme VCGS_Germline_v1.3.4, this variant is classified as Likely benign. Following criteria are met: 0103 - Dominant negative and loss of function are known mechanisms of disease in this gene and are associated with WT1-related disease. Variants predicted to undergo nonsense-mediated decay, and truncating variants lacking the zinc-finger motifs, have been reported with a loss of function (LOF) and dominant negative (DN) mechanism, respectively. Missense variants are have been functionally proven to have a LOF effect, however, more investigation is required to exclude if DN is also occurring (Decipher, GeneReviews, PMID: 26090994, PMID: 25145932). (I) 0107 - This gene is associated with autosomal dominant disease. The diseases were previously regarded as different syndromes, but are now considered part of a phenotypic continuum (GeneReviews). (I) 0113 - This gene is known to be imprinted (NCBI). Loss of imprinting in wilms tumours has been reported (PMID: 18644976). (I) 0200 - Variant is predicted to result in a missense amino acid change from glutamine to leucine. (I) 0251 - This variant is heterozygous. (I) 0302 - Variant is present in gnomAD (v3) <0.001 for a dominant condition (3 heterozygotes, 0 homozygotes), but has been misannotated as p.(Gln73Leu). (SP) 0503 - Missense variant consistently predicted to be tolerated by multiple in silico tools or not conserved in placental mammals with a minor amino acid change. (SB) 0604 - Variant is not located in an established domain, motif, hotspot or informative constraint region. (I) 0705 - No comparable missense variants have previous evidence for pathogenicity. (I) 0808 - Previous reports of pathogenicity for this variant are conflicting. This variant has been reported as likely benign and as a VUS (LOVD, ClinVar). (I) 0905 - No published segregation evidence has been identified for this variant. (I) 1007 - No published functional evidence has been identified for this variant. (I) 1208 - Inheritance information for this variant is not currently available in this individual. (I) Legend: (SP) - Supporting pathogenic, (I) - Information, (SB) - Supporting benign

Breakthrough Genomics
Classification: Uncertain significance. Review status: criteria provided, single submitter. Criteria: ACMG Guidelines, 2015. Collection method: not provided. Allele origin: germline. Inheritance: Autosomal dominant inheritance. Affected: yes.

Literature cited by the submitters: PubMed 18644976 (cited by Victorian Clinical Genetics Services, Murdoch Childrens Research Institute); PubMed 25145932 (cited by Victorian Clinical Genetics Services, Murdoch Childrens Research Institute); PubMed 26090994 (cited by Victorian Clinical Genetics Services, Murdoch Childrens Research Institute).

NM_024426.6(WT1):c.218A>T (p.Gln73Leu)

Genes: WT1 (WT1 transcription factor; minus strand), LOC107982234 (WT1/WT1-AS bi-directional promoter region; plus strand). Cytogenetic location: 11p13.
Variant type: single nucleotide variant.
Coding change: c.218A>T on transcript NM_024426.6 (MANE Select); coding-DNA position 218, A replaced by T.
Protein change: p.Gln73Leu; replaces glutamine 73 with leucine.
Molecular consequence: missense variant. On other transcripts: non-coding transcript variant (1).
Genome position (GRCh38, 1-based): chr11:32,435,143, T>A on the plus strand (A>T on the coding strand, the complement: WT1 is on the minus strand). VCF-style: chr11-32435143-T-A. GRCh37 (hg19) VCF-style: chr11-32456689-T-A.
Other names: c.218A>T, p.Gln73Leu (NM_000378.6, NM_024424.5); short protein forms Q73L.
Identifiers: ClinVar variation 476696 (VCV000476696.21), dbSNP rs1036899554, ClinGen allele CA219511297.